The following is an entry in ClinVar:

ClinVar aggregate classification (germline): Uncertain significance (1 of 4 stars; one submission).

Conditions:
Cardiovascular phenotype. Identifiers: MedGen CN230736.

Allele frequency attached by ClinVar (database versions not stated): gnomAD exomes below 0.00001.

Submission:

Ambry Genetics
Classification: Uncertain significance for Cardiovascular phenotype. Last evaluated: 2023-07-17. Review status: criteria provided, single submitter. Criteria: Ambry Variant Classification Scheme 2023. Collection method: clinical testing. Allele origin: germline.
Comment: The p.E32G variant (also known as c.95A>G), located in coding exon 3 of the TNNI3 gene, results from an A to G substitution at nucleotide position 95. The glutamic acid at codon 32 is replaced by glycine, an amino acid with similar properties. This amino acid position is conserved. In addition, the in silico prediction for this alteration is inconclusive. Since supporting evidence is limited at this time, the clinical significance of this alteration remains unclear.

NM_000363.5(TNNI3):c.95A>G (p.Glu32Gly)

Gene: TNNI3 (troponin I3, cardiac type; minus strand). Cytogenetic location: 19q13.42.
Variant type: single nucleotide variant.
Coding change: c.95A>G on transcript NM_000363.5 (MANE Select); coding-DNA position 95, A replaced by G.
Protein change: p.Glu32Gly; replaces glutamic acid 32 with glycine.
Molecular consequence: missense variant.
Genome position (GRCh38, 1-based): chr19:55,157,063, T>C on the plus strand (A>G on the coding strand, the complement: TNNI3 is on the minus strand). VCF-style: chr19-55157063-T-C. GRCh37 (hg19) VCF-style: chr19-55668431-T-C.
Other names: short protein forms E32G.
Identifiers: ClinVar variation 2626575 (VCV002626575.2), dbSNP rs2515503663, ClinGen allele CA407442900.